The following is an entry in ClinVar:

ClinVar aggregate classification (germline): Uncertain significance (1 of 4 stars; one submission).

Allele frequency attached by ClinVar (database versions not stated): gnomAD exomes below 0.00001; gnomAD 0.00002; TOPMed 0.00002.

Submission:

Labcorp Genetics (formerly Invitae), Labcorp
Classification: Uncertain significance. Last evaluated: 2022-07-19. Review status: criteria provided, single submitter. Criteria: Invitae Variant Classification Sherloc (09022015). Collection method: clinical testing. Allele origin: germline.
Comment: This sequence change replaces valine, which is neutral and non-polar, with alanine, which is neutral and non-polar, at codon 561 of the DLL3 protein (p.Val561Ala). This variant is present in population databases (no rsID available, gnomAD 0.01%). This variant has not been reported in the literature in individuals affected with DLL3-related conditions. Algorithms developed to predict the effect of missense changes on protein structure and function output the following: SIFT: "Tolerated"; PolyPhen-2: "Benign"; Align-GVGD: "Class C0". The alanine amino acid residue is found in multiple mammalian species, which suggests that this missense change does not adversely affect protein function. In summary, the available evidence is currently insufficient to determine the role of this variant in disease. Therefore, it has been classified as a Variant of Uncertain Significance.

NM_203486.3(DLL3):c.1682T>C (p.Val561Ala)

Gene: DLL3 (delta like canonical Notch ligand 3; plus strand). Cytogenetic location: 19q13.2.
Variant type: single nucleotide variant.
Coding change: c.1682T>C on transcript NM_203486.3 (MANE Select); coding-DNA position 1682, T replaced by C.
Protein change: p.Val561Ala; replaces valine 561 with alanine.
Molecular consequence: missense variant.
Genome position (GRCh38, 1-based): chr19:39,507,838, T>C. VCF-style: chr19-39507838-T-C. GRCh37 (hg19) VCF-style: chr19-39998478-T-C.
Other names: c.1682T>C, p.Val561Ala (NM_016941.4); short protein forms V561A.
Identifiers: ClinVar variation 2063214 (VCV002063214.1), dbSNP rs1374257701, ClinGen allele CA405790240.